The following is an entry in ClinVar:

NM_020821.3(VPS13C):c.389C>G (p.Thr130Arg)

Gene: VPS13C (vacuolar protein sorting 13 homolog C; minus strand). Cytogenetic location: 15q22.2.
Variant type: single nucleotide variant.
Coding change: c.389C>G on transcript NM_020821.3 (MANE Select); coding-DNA position 389, C replaced by G.
Protein change: p.Thr130Arg; replaces threonine 130 with arginine.
Molecular consequence: missense variant. On other transcripts: intron variant (2).
Genome position (GRCh38, 1-based): chr15:62,028,417, G>C on the plus strand (C>G on the coding strand, the complement: VPS13C is on the minus strand). VCF-style: chr15-62028417-G-C. GRCh37 (hg19) VCF-style: chr15-62320616-G-C.
Other names: c.389C>G, p.Thr130Arg (NM_001018088.3); c.386-4897C>G (NM_017684.5, NM_018080.4); short protein forms T130R.
Identifiers: ClinVar variation 2016428 (VCV002016428.4), dbSNP rs2047709149, ClinGen allele CA392692646.

ClinVar aggregate classification (germline): Uncertain significance (1 of 4 stars; one submission).

Submission:

Labcorp Genetics (formerly Invitae), Labcorp
Classification: Uncertain significance. Last evaluated: 2022-07-13. Review status: criteria provided, single submitter. Criteria: Invitae Variant Classification Sherloc (09022015). Collection method: clinical testing. Allele origin: germline.
Comment: This sequence change replaces threonine, which is neutral and polar, with arginine, which is basic and polar, at codon 130 of the VPS13C protein (p.Thr130Arg). This variant is not present in population databases (gnomAD no frequency). This variant has not been reported in the literature in individuals affected with VPS13C-related conditions. Algorithms developed to predict the effect of missense changes on protein structure and function (SIFT, PolyPhen-2, Align-GVGD) all suggest that this variant is likely to be tolerated. In summary, the available evidence is currently insufficient to determine the role of this variant in disease. Therefore, it has been classified as a Variant of Uncertain Significance.